The following is an entry in ClinVar:

ClinVar aggregate classification (germline): Uncertain significance (1 of 4 stars; one submission).

Allele frequency attached by ClinVar (database versions not stated): gnomAD exomes below 0.00001.
gnomAD v4.1: 1 of 1,613,844 alleles (0.000062%); highest among the groups gnomAD compares: Non-Finnish European, 0.000085%; no homozygotes.

Submission:

Labcorp Genetics (formerly Invitae), Labcorp
Classification: Uncertain significance. Last evaluated: 2026-02-02. Review status: criteria provided, single submitter. Criteria: Invitae Variant Classification Sherloc (09022015). Collection method: clinical testing. Allele origin: germline.
Comment: This sequence change replaces glutamine, which is neutral and polar, with arginine, which is basic and polar, at codon 1265 of the POLE protein (p.Gln1265Arg). This variant is not present in population databases (gnomAD no frequency). This variant has not been reported in the literature in individuals affected with POLE-related conditions. ClinVar contains an entry for this variant (Variation ID: 1520964). Experimental studies and prediction algorithms are not available or were not evaluated, and the functional significance of this variant is currently unknown. In summary, the available evidence is currently insufficient to determine the role of this variant in disease. Therefore, it has been classified as a Variant of Uncertain Significance.

NM_006231.4(POLE):c.3794A>G (p.Gln1265Arg)

Gene: POLE (DNA polymerase epsilon, catalytic subunit; minus strand). Cytogenetic location: 12q24.33.
Variant type: single nucleotide variant.
Coding change: c.3794A>G on transcript NM_006231.4 (MANE Select); coding-DNA position 3794, A replaced by G.
Protein change: p.Gln1265Arg; replaces glutamine 1265 with arginine.
Molecular consequence: missense variant.
Genome position (GRCh38, 1-based): chr12:132,649,678, T>C on the plus strand (A>G on the coding strand, the complement: POLE is on the minus strand). VCF-style: chr12-132649678-T-C. GRCh37 (hg19) VCF-style: chr12-133226264-T-C.
Other names: short protein forms Q1265R.
Identifiers: ClinVar variation 1520964 (VCV001520964.6), dbSNP rs1555224038, ClinGen allele CA387385874.